The following is an entry in ClinVar:

NM_006389.5(HYOU1):c.1702G>A (p.Ala568Thr)

Gene: HYOU1 (hypoxia up-regulated 1; minus strand). Cytogenetic location: 11q23.3.
Variant type: single nucleotide variant.
Coding change: c.1702G>A on transcript NM_006389.5 (MANE Select); coding-DNA position 1702, G replaced by A.
Protein change: p.Ala568Thr; replaces alanine 568 with threonine.
Molecular consequence: missense variant.
Genome position (GRCh38, 1-based): chr11:119,049,801, C>T on the plus strand (G>A on the coding strand, the complement: HYOU1 is on the minus strand). VCF-style: chr11-119049801-C-T. GRCh37 (hg19) VCF-style: chr11-118920513-C-T.
Other names: c.1702G>A, p.Ala568Thr (NM_001130991.3); c.1702G>A (NM_006389.3); short protein forms A568T.
Identifiers: ClinVar variation 1471388 (VCV001471388.9), dbSNP rs139686438, ClinGen allele CA229620567.

ClinVar aggregate classification (germline): Uncertain significance. Review status: criteria provided, multiple submitters, no conflicts (2 of 4 stars). 2 submissions from 2 submitters: Uncertain significance (2). Last evaluated 2025-10-04.

Allele frequency attached by ClinVar (database versions not stated): gnomAD 0.00001 and 0.00002; TOPMed 0.00002.
gnomAD v4.1: 43 of 1,614,006 alleles (0.0027%); highest among the groups gnomAD compares: South Asian, 0.027%; no homozygotes.

Submissions (2):

Labcorp Genetics (formerly Invitae), Labcorp
Classification: Uncertain significance. Last evaluated: 2025-10-04. Review status: criteria provided, single submitter. Criteria: Invitae Variant Classification Sherloc (09022015). Collection method: clinical testing. Allele origin: germline.
Comment: This sequence change replaces alanine, which is neutral and non-polar, with threonine, which is neutral and polar, at codon 568 of the HYOU1 protein (p.Ala568Thr). This variant is present in population databases (rs139686438, gnomAD 0.006%). This variant has not been reported in the literature in individuals affected with HYOU1-related conditions. ClinVar contains an entry for this variant (Variation ID: 1471388). Experimental studies and prediction algorithms are not available or were not evaluated, and the functional significance of this variant is currently unknown. In summary, the available evidence is currently insufficient to determine the role of this variant in disease. Therefore, it has been classified as a Variant of Uncertain Significance.

Ambry Genetics
Classification: Uncertain significance. Last evaluated: 2021-07-20. Review status: criteria provided, single submitter. Criteria: Ambry Variant Classification Scheme 2023. Collection method: clinical testing. Allele origin: germline.